The following is an entry in ClinVar:

NM_001319074.4(RAX2):c.335C>G (p.Pro112Arg)

Gene: RAX2 (retina and anterior neural fold homeobox 2; minus strand). Cytogenetic location: 19p13.3.
Variant type: single nucleotide variant.
Coding change: c.335C>G on transcript NM_001319074.4 (MANE Select); coding-DNA position 335, C replaced by G.
Protein change: p.Pro112Arg; replaces proline 112 with arginine.
Molecular consequence: missense variant.
Genome position (GRCh38, 1-based): chr19:3,770,841, G>C on the plus strand (C>G on the coding strand, the complement: RAX2 is on the minus strand). VCF-style: chr19-3770841-G-C. GRCh37 (hg19) VCF-style: chr19-3770839-G-C.
Other names: c.335C>G, p.Pro112Arg (NM_032753.4); short protein forms P112R.
Identifiers: ClinVar variation 1958017 (VCV001958017.5), dbSNP rs781281689, ClinGen allele CA9085043.

ClinVar aggregate classification (germline): Uncertain significance (1 of 4 stars; one submission).

gnomAD v4.1: 2 of 1,526,630 alleles (0.00013%); highest among the groups gnomAD compares: East Asian, 0.0025%; no homozygotes.

Submission:

Labcorp Genetics (formerly Invitae), Labcorp
Classification: Uncertain significance. Last evaluated: 2022-10-12. Review status: criteria provided, single submitter. Criteria: Invitae Variant Classification Sherloc (09022015). Collection method: clinical testing. Allele origin: germline.
Comment: This variant has not been reported in the literature in individuals affected with RAX2-related conditions. In summary, the available evidence is currently insufficient to determine the role of this variant in disease. Therefore, it has been classified as a Variant of Uncertain Significance. Algorithms developed to predict the effect of missense changes on protein structure and function (SIFT, PolyPhen-2, Align-GVGD) all suggest that this variant is likely to be disruptive. This variant is not present in population databases (gnomAD no frequency). This sequence change replaces proline, which is neutral and non-polar, with arginine, which is basic and polar, at codon 112 of the RAX2 protein (p.Pro112Arg).